The following is an entry in ClinVar:

NM_017617.5(NOTCH1):c.4213C>T (p.Pro1405Ser)

Gene: NOTCH1 (notch receptor 1; minus strand). Cytogenetic location: 9q34.3.
Variant type: single nucleotide variant.
Coding change: c.4213C>T on transcript NM_017617.5 (MANE Select); coding-DNA position 4213, C replaced by T.
Protein change: p.Pro1405Ser; replaces proline 1405 with serine.
Molecular consequence: missense variant.
Genome position (GRCh38, 1-based): chr9:136,505,683, G>A on the plus strand (C>T on the coding strand, the complement: NOTCH1 is on the minus strand). VCF-style: chr9-136505683-G-A. GRCh37 (hg19) VCF-style: chr9-139400135-G-A.
Other names: short protein forms P1405S.
Identifiers: ClinVar variation 1424584 (VCV001424584.6), dbSNP rs1416597670, ClinGen allele CA375649037.

ClinVar aggregate classification (germline): Uncertain significance (1 of 4 stars; one submission).

Conditions:
Adams-Oliver syndrome 5 (AOS5). Identifiers: Orphanet 974, MedGen C4014970, MONDO:0014459, OMIM 616028.

Allele frequency attached by ClinVar (database versions not stated): gnomAD exomes below 0.00001.

Submission:

Labcorp Genetics (formerly Invitae), Labcorp
Classification: Uncertain significance for Adams-Oliver syndrome 5. Last evaluated: 2023-03-20. Review status: criteria provided, single submitter. Criteria: Invitae Variant Classification Sherloc (09022015). Collection method: clinical testing. Allele origin: germline.
Comment: In summary, the available evidence is currently insufficient to determine the role of this variant in disease. Therefore, it has been classified as a Variant of Uncertain Significance. Advanced modeling of protein sequence and biophysical properties (such as structural, functional, and spatial information, amino acid conservation, physicochemical variation, residue mobility, and thermodynamic stability) performed at Invitae indicates that this missense variant is not expected to disrupt NOTCH1 protein function. ClinVar contains an entry for this variant (Variation ID: 1424584). This variant has not been reported in the literature in individuals affected with NOTCH1-related conditions. The frequency data for this variant in the population databases is considered unreliable, as metrics indicate poor data quality at this position in the gnomAD database. This sequence change replaces proline, which is neutral and non-polar, with serine, which is neutral and polar, at codon 1405 of the NOTCH1 protein (p.Pro1405Ser).